The following is an entry in ClinVar:

ClinVar aggregate classification (germline): Uncertain significance (1 of 4 stars; one submission).

Conditions:
Inborn genetic diseases. Identifiers: MedGen C0950123, MeSH D030342.

gnomAD v4.1: 1 of 1,524,914 alleles (0.000066%); highest among the groups gnomAD compares: Non-Finnish European, 0.000088%; no homozygotes.

Submission:

Ambry Genetics
Classification: Uncertain significance for Inborn genetic diseases. Last evaluated: 2024-10-21. Review status: criteria provided, single submitter. Criteria: Ambry Variant Classification Scheme 2023. Collection method: clinical testing. Allele origin: germline.
Comment: The p.R1096L variant (also known as c.3287G>T), located in coding exon 24 of the LTBP3 gene, results from a G to T substitution at nucleotide position 3287. The arginine at codon 1096 is replaced by leucine, an amino acid with dissimilar properties. This amino acid position is conserved. In addition, the in silico prediction for this alteration is inconclusive. Based on the available evidence, the clinical significance of this variant remains unclear.

NM_001130144.3(LTBP3):c.3287G>T (p.Arg1096Leu)

Gene: LTBP3 (latent transforming growth factor beta binding protein 3; minus strand). Cytogenetic location: 11q13.1.
Variant type: single nucleotide variant.
Coding change: c.3287G>T on transcript NM_001130144.3 (MANE Select); coding-DNA position 3287, G replaced by T.
Protein change: p.Arg1096Leu; replaces arginine 1096 with leucine.
Molecular consequence: missense variant. On other transcripts: intron variant (2).
Genome position (GRCh38, 1-based): chr11:65,540,111, C>A on the plus strand (G>T on the coding strand, the complement: LTBP3 is on the minus strand). VCF-style: chr11-65540111-C-A. GRCh37 (hg19) VCF-style: chr11-65307582-C-A.
Other names: c.2893+134G>T (NM_001164266.1); c.3244+134G>T (NM_021070.4); short protein forms R1096L.
Identifiers: ClinVar variation 3541088 (VCV003541088.1).